The following is an entry in ClinVar:

NM_005262.3(GFER):c.53T>G (p.Leu18Arg)

Genes: GFER (growth factor, augmenter of liver regeneration; plus strand), LOC130058203 (ATAC-STARR-seq lymphoblastoid silent region 7014; plus strand). Cytogenetic location: 16p13.3.
Variant type: single nucleotide variant.
Coding change: c.53T>G on transcript NM_005262.3 (MANE Select); coding-DNA position 53, T replaced by G.
Protein change: p.Leu18Arg; replaces leucine 18 with arginine.
Molecular consequence: missense variant.
Genome position (GRCh38, 1-based): chr16:1,984,271, T>G. VCF-style: chr16-1984271-T-G. GRCh37 (hg19) VCF-style: chr16-2034272-T-G.
Other names: short protein forms L18R.
Identifiers: ClinVar variation 1912727 (VCV001912727.5), dbSNP rs1396004776, ClinGen allele CA394300243.
Genomic context (GRCh38, chr16:1,984,271, plus strand): 5'-CGGGCAACATGGCGGCGCCCGGCGAGCGGGGCCGCTTCCACGGCGGGAACCTCTTCTTCC[T>G]GCCGGGGGGCGCGCGCTCCGAGATGATGGACGACCTGGCGACCGACGCGCGGGGCCGGGG-3'
Protein context (NP_005253.3, residues 8-28): GRFHGGNLFF[Leu18Arg]PGGARSEMMD

ClinVar aggregate classification (germline): Uncertain significance (1 of 4 stars; one submission).

Allele frequency attached by ClinVar (database versions not stated): gnomAD 0.00001; gnomAD exomes 0.00001; TOPMed 0.00002.
gnomAD v4.1: 6 of 1,478,744 alleles (0.00041%); highest among the groups gnomAD compares: Admixed American, 0.0048%; no homozygotes.

Submission:

Labcorp Genetics (formerly Invitae), Labcorp
Classification: Uncertain significance. Last evaluated: 2024-04-30. Review status: criteria provided, single submitter. Criteria: Invitae Variant Classification Sherloc (09022015). Collection method: clinical testing. Allele origin: germline.
Comment: This sequence change replaces leucine, which is neutral and non-polar, with arginine, which is basic and polar, at codon 18 of the GFER protein (p.Leu18Arg). This variant is not present in population databases (gnomAD no frequency). This variant has not been reported in the literature in individuals affected with GFER-related conditions. ClinVar contains an entry for this variant (Variation ID: 1912727). An algorithm developed to predict the effect of missense changes on protein structure and function (PolyPhen-2) suggests that this variant is likely to be disruptive. In summary, the available evidence is currently insufficient to determine the role of this variant in disease. Therefore, it has been classified as a Variant of Uncertain Significance.